The following is an entry in ClinVar:

NM_018116.4(MSTO1):c.804C>T (p.Tyr268=)

Gene: MSTO1 (misato mitochondrial distribution and morphology regulator 1; plus strand). Cytogenetic location: 1q22.
Variant type: single nucleotide variant.
Coding change: c.804C>T on transcript NM_018116.4 (MANE Select); coding-DNA position 804, C replaced by T.
Protein change: p.Tyr268=; no amino-acid change (tyrosine 268 retained).
Molecular consequence: synonymous variant. On other transcripts: non-coding transcript variant (6).
Genome position (GRCh38, 1-based): chr1:155,612,307, C>T. VCF-style: chr1-155612307-C-T. GRCh37 (hg19) VCF-style: chr1-155582098-C-T.
Other names: c.804C>T, p.Tyr268= (NM_001256532.1, NM_001256533.1, NM_001350772.1 and 3 more transcripts); c.639C>T, p.Tyr213= (NM_001350776.1); c.273C>T, p.Tyr91= (NM_001350777.1, NM_001350778.1, NM_001350779.1); c.270C>T, p.Tyr90= (NM_001350780.1, NM_001350781.1, NM_001350782.1 and 3 more transcripts); c.261C>T, p.Tyr87= (NM_001350784.1, NM_001350785.1, NM_001350787.1 and 1 more transcripts).
Identifiers: ClinVar variation 3051196 (VCV003051196.2), dbSNP rs1401119828, ClinGen allele CA421251145.

ClinVar aggregate classification (germline): Likely benign (0 of 4 stars; one submission).

Conditions:
MSTO1-related disorder. Also called: MSTO1‑Related Disease.

Allele frequency attached by ClinVar (database versions not stated): TOPMed below 0.00001; gnomAD 0.00001; gnomAD exomes 0.00001.
gnomAD v4.1: 10 of 1,581,220 alleles (0.00063%); highest among the groups gnomAD compares: Non-Finnish European, 0.00086%; no homozygotes.

Submission:

PreventionGenetics, part of Exact Sciences
Classification: Likely benign for MSTO1-related condition. Last evaluated: 2020-02-25. Review status: no assertion criteria provided. Collection method: clinical testing. Allele origin: germline.
Comment: This variant is classified as likely benign based on ACMG/AMP sequence variant interpretation guidelines (Richards et al. 2015 PMID: 25741868, with internal and published modifications).